The following is an entry in ClinVar:

NM_002519.3(NPAT):c.4132C>T (p.Arg1378Cys)

Gene: NPAT (nuclear protein, coactivator of histone transcription; minus strand). Cytogenetic location: 11q22.3.
Variant type: single nucleotide variant.
Coding change: c.4132C>T on transcript NM_002519.3 (MANE Select); coding-DNA position 4132, C replaced by T.
Protein change: p.Arg1378Cys; replaces arginine 1378 with cysteine.
Molecular consequence: missense variant.
Genome position (GRCh38, 1-based): chr11:108,160,954, G>A on the plus strand (C>T on the coding strand, the complement: NPAT is on the minus strand). VCF-style: chr11-108160954-G-A. GRCh37 (hg19) VCF-style: chr11-108031681-G-A.
Other names: c.4153C>T, p.Arg1385Cys (NM_001321307.1); short protein forms R1378C, R1385C.
Identifiers: ClinVar variation 2890825 (VCV002890825.3), dbSNP rs375507389, ClinGen allele CA6263475.

ClinVar aggregate classification (germline): Uncertain significance (1 of 4 stars; one submission).

Allele frequency attached by ClinVar (database versions not stated): TOPMed below 0.00001; ExAC 0.00001; gnomAD 0.00001; ESP Exome Variant Server 0.00008.
gnomAD v4.1: 8 of 1,613,942 alleles (0.0005%); highest among the groups gnomAD compares: Non-Finnish European, 0.00051%; no homozygotes.

Submission:

Labcorp Genetics (formerly Invitae), Labcorp
Classification: Uncertain significance. Last evaluated: 2024-04-23. Review status: criteria provided, single submitter. Criteria: Invitae Variant Classification Sherloc (09022015). Collection method: clinical testing. Allele origin: germline.
Comment: This sequence change replaces arginine, which is basic and polar, with cysteine, which is neutral and slightly polar, at codon 1378 of the NPAT protein (p.Arg1378Cys). This variant is present in population databases (rs375507389, gnomAD 0.0009%). This variant has not been reported in the literature in individuals affected with NPAT-related conditions. Algorithms developed to predict the effect of missense changes on protein structure and function output the following: SIFT: "Not Available"; PolyPhen-2: "Benign"; Align-GVGD: "Not Available". The cysteine amino acid residue is found in multiple mammalian species, which suggests that this missense change does not adversely affect protein function. In summary, the available evidence is currently insufficient to determine the role of this variant in disease. Therefore, it has been classified as a Variant of Uncertain Significance.